The following is an entry in ClinVar:

ClinVar aggregate classification (germline): Likely benign. Review status: criteria provided, multiple submitters, no conflicts (2 of 4 stars). 4 submissions from 4 submitters: Likely benign (4). Last evaluated 2026-02-01.

Conditions:
Supravalvar aortic stenosis (SVAS). Also called: Supravalvar aortic stenosis, Eisenberg type. Identifiers: Orphanet 3193, MedGen C0003499, MONDO:0008504, OMIM 185500, HP:0004381.
ELN-related disorder.

Submissions (4):

Labcorp Genetics (formerly Invitae), Labcorp
Classification: Likely benign for Supravalvar aortic stenosis. Last evaluated: 2026-02-01. Review status: criteria provided, single submitter. Criteria: Invitae Variant Classification Sherloc (09022015). Collection method: clinical testing. Allele origin: germline.

PreventionGenetics, part of Exact Sciences
Classification: Likely benign for ELN-related condition. Last evaluated: 2025-11-20. Review status: criteria provided, single submitter. Criteria: ACMG Guidelines, 2015. Collection method: clinical testing. Allele origin: germline.
Comment: This variant is classified as likely benign based on ACMG/AMP sequence variant interpretation guidelines (Richards et al. 2015 PMID: 25741868, with internal and published modifications).

GeneDx
Classification: Likely benign. Last evaluated: 2021-06-22. Review status: criteria provided, single submitter. Criteria: GeneDx Variant Classification Process June 2021. Collection method: clinical testing. Allele origin: germline. Affected: yes.

Eurofins Ntd Llc (ga)
Classification: Likely benign. Last evaluated: 2017-06-29. Review status: criteria provided, single submitter. Criteria: EGL Classification Definitions 2015. Collection method: clinical testing. Allele origin: germline. Observed: 1 variant allele, 1 heterozygote.

NM_000501.4(ELN):c.1946_1954dup (p.646GLG[3])

Gene: ELN (elastin; plus strand). Cytogenetic location: 7q11.23.
Variant type: Duplication.
Coding change: c.1946_1954dup on transcript NM_000501.4 (MANE Select); coding-DNA positions 1946 to 1954, 9 bases duplicated (GACTCGGAG; older notation c.1946_1954dupGACTCGGAG).
Protein change: p.646GLG[3].
Molecular consequence: inframe insertion.
Genome position (GRCh38, 1-based): chr7:74,063,648-74,063,656, GACTCGGAG duplicated; duplicating any 9 consecutive bases within chr7:74,063,641-74,063,656 gives the same sequence; the c. name uses the placement nearest the transcript's 3' end. VCF-style (leftmost placement, unchanged base first): chr7-74063640-G-GCTCGGAGGA. GRCh37 (hg19) VCF-style: chr7-73477970-G-GCTCGGAGGA.
Other names: c.1946_1954dup9 (NM_000501.3); c.1946_1954dup (NM_000501.2); c.1859_1867dup, p.617GLG[3] (NM_001081752.3); c.1904_1912dup, p.632GLG[3] (NM_001081753.3); c.1961_1969dup, p.651GLG[3] (NM_001081754.3); c.1889_1897dup, p.627GLG[3] (NM_001081755.3); c.1946_1954dup, p.646GLG[3] (NM_001278912.2); c.1703_1711dup, p.565GLG[3] (NM_001278913.2); and 6 more.
Identifiers: ClinVar variation 502628 (VCV000502628.17), dbSNP rs374813147, ClinGen allele CA4293308.